The following is an entry in ClinVar:

NM_004006.3(DMD):c.193G>A (p.Glu65Lys)

Gene: DMD (dystrophin; minus strand). Cytogenetic location: Xp21.1.
Variant type: single nucleotide variant.
Coding change: c.193G>A on transcript NM_004006.3 (MANE Select); coding-DNA position 193, G replaced by A.
Protein change: p.Glu65Lys; replaces glutamic acid 65 with lysine.
Molecular consequence: missense variant. On other transcripts: 5 prime UTR variant (1).
Genome position (GRCh38, 1-based): chrX:32,844,854, C>T on the plus strand (G>A on the coding strand, the complement: DMD is on the minus strand). VCF-style: chrX-32844854-C-T. GRCh37 (hg19) VCF-style: chrX-32862971-C-T.
Other names: c.169G>A, p.Glu57Lys (NM_000109.4); c.181G>A, p.Glu61Lys (NM_004009.3); c.-177G>A (NM_004010.3); short protein forms E57K, E61K, E65K.
Identifiers: ClinVar variation 4890811 (VCV004890811.1).

ClinVar aggregate classification (germline): Uncertain significance (1 of 4 stars; one submission).

Conditions:
Duchenne muscular dystrophy (DMD). Also called: MUSCULAR DYSTROPHY, PSEUDOHYPERTROPHIC PROGRESSIVE, DUCHENNE TYPE; Duchenne Muscular Dystrophy (DMD). Identifiers: Orphanet 98896, MedGen C0013264, MONDO:0010679, OMIM 310200.

Submission:

Helix
Classification: Uncertain significance for Duchenne muscular dystrophy. Last evaluated: 2026-04-29. Review status: criteria provided, single submitter. Criteria: ACMG Guidelines, 2015. Collection method: clinical testing. Allele origin: germline. Inheritance: X-linked inheritance.
Comment: This variant (NM_004006.3:c.193G>A p.Glu65Lys) results in the substitution of glutamic acid with lysine at codon 65 in the DMD protein. It is a rare variant that is absent from the large gnomAD population database (v4.1). To our knowledge, this variant has not been reported in individuals with DMD-related conditions in the published literature. In silico prediction from REVEL (PMID: 27666373) suggests that this variant may be deleterious. In conclusion, since the available evidence is limited, the clinical significance of this variant is unclear at this time. Therefore, it is classified as a Variant of Uncertain Significance.